The following is an entry in ClinVar:

NM_021072.4(HCN1):c.1147G>A (p.Ala383Thr)

Gene: HCN1 (hyperpolarization activated cyclic nucleotide gated potassium channel 1; minus strand). Cytogenetic location: 5p12.
Variant type: single nucleotide variant.
Coding change: c.1147G>A on transcript NM_021072.4 (MANE Select); coding-DNA position 1147, G replaced by A.
Protein change: p.Ala383Thr; replaces alanine 383 with threonine.
Molecular consequence: missense variant.
Genome position (GRCh38, 1-based): chr5:45,396,575, C>T on the plus strand (G>A on the coding strand, the complement: HCN1 is on the minus strand). VCF-style: chr5-45396575-C-T. GRCh37 (hg19) VCF-style: chr5-45396677-C-T.
Other names: short protein forms A383T.
Identifiers: ClinVar variation 1007083 (VCV001007083.10), dbSNP rs1739692080, ClinGen allele CA359705323.

ClinVar aggregate classification (germline): Uncertain significance (1 of 4 stars; one submission).

Conditions:
Early-infantile DEE. Also called: Ohtahara syndrome; Early infantile epileptic encephalopathy with suppression bursts; Early infantile epileptic encephalopathy. Identifiers: Orphanet 1934, MedGen C0393706, MONDO:0800491.

Submission:

Labcorp Genetics (formerly Invitae), Labcorp
Classification: Uncertain significance for Early-infantile DEE. Last evaluated: 2023-12-13. Review status: criteria provided, single submitter. Criteria: Invitae Variant Classification Sherloc (09022015). Collection method: clinical testing. Allele origin: germline.
Comment: This sequence change replaces alanine, which is neutral and non-polar, with threonine, which is neutral and polar, at codon 383 of the HCN1 protein (p.Ala383Thr). This variant is not present in population databases (gnomAD no frequency). This missense change has been observed in individual(s) with clinical features of HCN1-related conditions (Invitae). ClinVar contains an entry for this variant (Variation ID: 1007083). Advanced modeling of protein sequence and biophysical properties (such as structural, functional, and spatial information, amino acid conservation, physicochemical variation, residue mobility, and thermodynamic stability) has been performed at Invitae for this missense variant, however the output from this modeling did not meet the statistical confidence thresholds required to predict the impact of this variant on HCN1 protein function. In summary, the available evidence is currently insufficient to determine the role of this variant in disease. Therefore, it has been classified as a Variant of Uncertain Significance.